The following is an entry in ClinVar:

ClinVar aggregate classification (germline): Uncertain significance (1 of 4 stars; one submission).

Allele frequency attached by ClinVar (database versions not stated): gnomAD 0.00001; TOPMed 0.00001; ExAC 0.00002; gnomAD exomes 0.00003.
gnomAD v4.1: 9 of 1,608,516 alleles (0.00056%); highest among the groups gnomAD compares: Admixed American, 0.015%; no homozygotes.

Submission:

Labcorp Genetics (formerly Invitae), Labcorp
Classification: Uncertain significance. Last evaluated: 2021-09-17. Review status: criteria provided, single submitter. Criteria: Invitae Variant Classification Sherloc (09022015). Collection method: clinical testing. Allele origin: germline.
Comment: This sequence change replaces valine with glutamic acid at codon 488 of the SLC26A4 protein (p.Val488Glu). The valine residue is weakly conserved and there is a moderate physicochemical difference between valine and glutamic acid. This variant is present in population databases (rs773614117, ExAC 0.02%). This variant has not been reported in the literature in individuals with SLC26A4-related conditions. Algorithms developed to predict the effect of missense changes on protein structure and function (SIFT, PolyPhen-2, Align-GVGD) all suggest that this variant is likely to be tolerated, but these predictions have not been confirmed by published functional studies and their clinical significance is uncertain. In summary, the available evidence is currently insufficient to determine the role of this variant in disease. Therefore, it has been classified as a Variant of Uncertain Significance.

NM_000441.2(SLC26A4):c.1463T>A (p.Val488Glu)

Gene: SLC26A4 (solute carrier family 26 member 4; plus strand). Cytogenetic location: 7q22.3.
Variant type: single nucleotide variant.
Coding change: c.1463T>A on transcript NM_000441.2 (MANE Select); coding-DNA position 1463, T replaced by A.
Protein change: p.Val488Glu; replaces valine 488 with glutamic acid.
Molecular consequence: missense variant.
Genome position (GRCh38, 1-based): chr7:107,695,958, T>A. VCF-style: chr7-107695958-T-A. GRCh37 (hg19) VCF-style: chr7-107336403-T-A.
Other names: short protein forms V488E.
Identifiers: ClinVar variation 1508477 (VCV001508477.5), dbSNP rs773614117, ClinGen allele CA4432831.